The following is an entry in ClinVar:

NM_001290060.2(SEMA3B):c.923-6C>A

Gene: SEMA3B (semaphorin 3B; plus strand). Cytogenetic location: 3p21.31.
Variant type: single nucleotide variant.
Coding change: c.923-6C>A on transcript NM_001290060.2 (MANE Select); 6 bases into the intron before coding-DNA position 923, C replaced by A.
Molecular consequence: intron variant. On other transcripts: missense variant (1).
Genome position (GRCh38, 1-based): chr3:50,273,753, C>A. VCF-style: chr3-50273753-C-A. GRCh37 (hg19) VCF-style: chr3-50311184-C-A.
Other names: c.932C>A, p.Pro311His (NM_001290061.1); c.923-6C>A (NM_001435958.1, NM_001435956.1, NM_001435957.1 and 2 more transcripts); c.-104-6C>A (NM_001290062.2); c.-107-6C>A (NM_001290063.2); short protein forms P311H.
Identifiers: ClinVar variation 4994238 (VCV004994238.1).

ClinVar aggregate classification (germline): Uncertain significance (1 of 4 stars; one submission).

Conditions:
SEMA3B-related disorder. Also called: SEMA3B-related condition.

Submission:

PreventionGenetics, part of Exact Sciences
Classification: Uncertain significance for SEMA3B-related condition. Last evaluated: 2025-10-22. Review status: criteria provided, single submitter. Criteria: ACMG Guidelines, 2015. Collection method: clinical testing. Allele origin: germline.
Comment: The SEMA3B c.932C>A variant is predicted to result in the amino acid substitution p.Pro311His. To our knowledge, this variant has not been reported in the literature or in a large population database (gnomAD), indicating this variant is rare. At this time, the clinical significance of this variant is uncertain due to the absence of conclusive functional and genetic evidence.